The following is an entry in ClinVar:

NM_000836.4(GRIN2D):c.3542G>C (p.Arg1181Pro)

Gene: GRIN2D (glutamate ionotropic receptor NMDA type subunit 2D; plus strand). Cytogenetic location: 19q13.33.
Variant type: single nucleotide variant.
Coding change: c.3542G>C on transcript NM_000836.4 (MANE Select); coding-DNA position 3542, G replaced by C.
Protein change: p.Arg1181Pro; replaces arginine 1181 with proline.
Molecular consequence: missense variant.
Genome position (GRCh38, 1-based): chr19:48,443,468, G>C. VCF-style: chr19-48443468-G-C. GRCh37 (hg19) VCF-style: chr19-48946725-G-C.
Other names: c.3542G>C (NM_000836.2); short protein forms R1181P.
Identifiers: ClinVar variation 2973070 (VCV002973070.5), dbSNP rs1316071837, ClinGen allele CA406676764.

ClinVar aggregate classification (germline): Uncertain significance. Review status: criteria provided, multiple submitters, no conflicts (2 of 4 stars). 3 submissions from 3 submitters: Uncertain significance (3). Last evaluated 2025-12-02.

Conditions:
Inborn genetic diseases. Identifiers: MedGen C0950123, MeSH D030342.
Developmental and epileptic encephalopathy, 46 (DEE46). Also called: Epileptic encephalopathy, early infantile, 46; GRIN2D-Related Developmental and Epileptic Encephalopathy. Identifiers: MedGen C4310687, MONDO:0014947, OMIM 617162.

gnomAD v4.1: 8 of 1,382,196 alleles (0.00058%); highest among the groups gnomAD compares: African/African-American, 0.003%; no homozygotes.

Submissions (3):

Ambry Genetics
Classification: Uncertain significance for Inborn genetic diseases. Last evaluated: 2025-12-02. Review status: criteria provided, single submitter. Criteria: Ambry Variant Classification Scheme 2023. Collection method: clinical testing. Allele origin: germline.

Revvity Omics, Revvity
Classification: Uncertain significance for Developmental and epileptic encephalopathy, 46. Last evaluated: 2024-11-25. Review status: criteria provided, single submitter. Criteria: ACMG Guidelines, 2015. Collection method: clinical testing. Allele origin: germline.

Labcorp Genetics (formerly Invitae), Labcorp
Classification: Uncertain significance. Last evaluated: 2024-08-11. Review status: criteria provided, single submitter. Criteria: Invitae Variant Classification Sherloc (09022015). Collection method: clinical testing. Allele origin: germline.
Comment: This sequence change replaces arginine, which is basic and polar, with proline, which is neutral and non-polar, at codon 1181 of the GRIN2D protein (p.Arg1181Pro). This variant is present in population databases (no rsID available, gnomAD 0.02%). This variant has not been reported in the literature in individuals affected with GRIN2D-related conditions. Advanced modeling of protein sequence and biophysical properties (such as structural, functional, and spatial information, amino acid conservation, physicochemical variation, residue mobility, and thermodynamic stability) performed at Invitae indicates that this missense variant is not expected to disrupt GRIN2D protein function with a negative predictive value of 95%. In summary, the available evidence is currently insufficient to determine the role of this variant in disease. Therefore, it has been classified as a Variant of Uncertain Significance.